The following is an entry in ClinVar:

NM_000719.7(CACNA1C):c.3723C>T (p.Tyr1241=)

Gene: CACNA1C (calcium voltage-gated channel subunit alpha1 C; plus strand). Cytogenetic location: 12p13.33.
Variant type: single nucleotide variant.
Coding change: c.3723C>T on transcript NM_000719.7 (MANE Select); coding-DNA position 3723, C replaced by T.
Protein change: p.Tyr1241=; no amino-acid change (tyrosine 1241 retained).
Molecular consequence: synonymous variant.
Genome position (GRCh38, 1-based): chr12:2,611,908, C>T. VCF-style: chr12-2611908-C-T. GRCh37 (hg19) VCF-style: chr12-2721074-C-T.
Other names: c.3783C>T, p.Tyr1261= (NM_001129827.2, NM_001129832.2, NM_199460.4); c.3723C>T, p.Tyr1241= (NM_001129829.2, NM_001129830.3, NM_001129831.2 and 15 more transcripts); c.3714C>T, p.Tyr1238= (NM_001129844.2).
Identifiers: ClinVar variation 377606 (VCV000377606.16), dbSNP rs377686760, ClinGen allele CA6389299.

ClinVar aggregate classification (germline): Likely benign. Review status: criteria provided, multiple submitters, no conflicts (2 of 4 stars). 4 submissions from 4 submitters: Likely benign (4). Last evaluated 2025-06-01.

Conditions:
Long QT syndrome (LQTS). Identifiers: MedGen C0023976, MeSH D008133, MONDO:0002442. Disease mechanism: loss of function. Inheritance: Various modes of inheritance.
Cardiovascular phenotype. Identifiers: MedGen CN230736.

Allele frequency attached by ClinVar (database versions not stated): gnomAD 0.00001 and 0.00003; gnomAD exomes 0.00002; TOPMed 0.00002; ExAC 0.00006; ESP Exome Variant Server 0.00015; 1000 Genomes Project 30x 0.00016; 1000 Genomes Project 0.00020.
gnomAD v4.1: 34 of 1,605,012 alleles (0.0021%); highest among the groups gnomAD compares: Admixed American, 0.005%; no homozygotes.

Submissions (4):

Labcorp Genetics (formerly Invitae), Labcorp
Classification: Likely benign for Long QT syndrome. Last evaluated: 2025-06-01. Review status: criteria provided, single submitter. Criteria: Invitae Variant Classification Sherloc (09022015). Collection method: clinical testing. Allele origin: germline.

Blueprint Genetics
Classification: Likely benign. Last evaluated: 2023-05-26. Review status: criteria provided, single submitter. Criteria: ACMG Guidelines, 2015. Collection method: clinical testing. Allele origin: germline.

Ambry Genetics
Classification: Likely benign for Cardiovascular phenotype. Last evaluated: 2017-03-03. Review status: criteria provided, single submitter. Criteria: Ambry Variant Classification Scheme 2023. Collection method: clinical testing. Allele origin: germline.

GeneDx
Classification: Likely benign. Last evaluated: 2016-05-31. Review status: criteria provided, single submitter. Criteria: GeneDx Variant Classification (06012015). Collection method: clinical testing. Allele origin: germline. Affected: yes.
Comment: This variant is considered likely benign or benign based on one or more of the following criteria: it is a conservative change, it occurs at a poorly conserved position in the protein, it is predicted to be benign by multiple in silico algorithms, and/or has population frequency not consistent with disease.